The following is an entry in ClinVar:

NM_004006.3(DMD):c.1332-9A>C

Gene: DMD (dystrophin; minus strand). Cytogenetic location: Xp21.1.
Variant type: single nucleotide variant.
Coding change: c.1332-9A>C on transcript NM_004006.3 (MANE Select); 9 bases into the intron before coding-DNA position 1332, A replaced by C.
Molecular consequence: intron variant.
Genome position (GRCh38, 1-based): chrX:32,614,462, T>G on the plus strand (A>C on the coding strand, the complement: DMD is on the minus strand). VCF-style: chrX-32614462-T-G. GRCh37 (hg19) VCF-style: chrX-32632579-T-G.
Other names: c.1308-9A>C (NM_000109.4); c.1320-9A>C (NM_004009.3); c.963-9A>C (NM_004010.3).
Identifiers: ClinVar variation 510621 (VCV000510621.11), dbSNP rs72468700, ClinGen allele CA10379875.

ClinVar aggregate classification (germline): Likely benign. Review status: criteria provided, multiple submitters, no conflicts (2 of 4 stars). 3 submissions from 3 submitters: Likely benign (3). Last evaluated 2025-10-15.

Conditions:
Duchenne muscular dystrophy (DMD). Also called: MUSCULAR DYSTROPHY, PSEUDOHYPERTROPHIC PROGRESSIVE, DUCHENNE TYPE; Duchenne Muscular Dystrophy (DMD). Identifiers: Orphanet 98896, MedGen C0013264, MONDO:0010679, OMIM 310200.

Allele frequency attached by ClinVar (database versions not stated): gnomAD 0.00001 and 0.00002; TOPMed 0.00001; gnomAD exomes 0.00003; ExAC 0.00006.
gnomAD v4.1: 33 of 1,196,011 alleles (0.0028%); highest among the groups gnomAD compares: Admixed American, 0.0044%; no homozygotes.

Submissions (3):

Labcorp Genetics (formerly Invitae), Labcorp
Classification: Likely benign for Duchenne muscular dystrophy. Last evaluated: 2025-10-15. Review status: criteria provided, single submitter. Criteria: Invitae Variant Classification Sherloc (09022015). Collection method: clinical testing. Allele origin: germline.

Blueprint Genetics
Classification: Likely benign. Last evaluated: 2021-08-12. Review status: criteria provided, single submitter. Criteria: ACMG Guidelines, 2015. Collection method: clinical testing. Allele origin: germline.

GeneDx
Classification: Likely benign. Last evaluated: 2017-07-06. Review status: criteria provided, single submitter. Criteria: GeneDx Variant Classification (06012015). Collection method: clinical testing. Allele origin: germline. Affected: yes.
Comment: This variant is considered likely benign or benign based on one or more of the following criteria: it is a conservative change, it occurs at a poorly conserved position in the protein, it is predicted to be benign by multiple in silico algorithms, and/or has population frequency not consistent with disease.